The following is an entry in ClinVar:

ClinVar aggregate classification (germline): Uncertain significance (1 of 4 stars; one submission).

Conditions:
Hereditary cancer-predisposing syndrome. Also called: Neoplastic Syndromes, Hereditary; Tumor predisposition; Hereditary neoplastic syndrome; Hereditary Cancer Syndrome. Identifiers: Orphanet 140162, MedGen C0027672, MeSH D009386, MONDO:0015356.

Submission:

Ambry Genetics
Classification: Uncertain significance for Hereditary cancer-predisposing syndrome. Last evaluated: 2025-07-29. Review status: criteria provided, single submitter. Criteria: Ambry Variant Classification Scheme 2023. Collection method: clinical testing. Allele origin: germline.
Comment: The p.D224G variant (also known as c.671A>G), located in coding exon 5 of the POT1 gene, results from an A to G substitution at nucleotide position 671. The aspartic acid at codon 224 is replaced by glycine, an amino acid with similar properties. This amino acid position is highly conserved in available vertebrate species. In addition, this alteration is predicted to be deleterious by in silico analysis. Based on the available evidence, the clinical significance of this variant remains unclear.

NM_015450.3(POT1):c.671A>G (p.Asp224Gly)

Gene: POT1 (protection of telomeres 1; minus strand). Cytogenetic location: 7q31.33.
Variant type: single nucleotide variant.
Coding change: c.671A>G on transcript NM_015450.3 (MANE Select); coding-DNA position 671, A replaced by G.
Protein change: p.Asp224Gly; replaces aspartic acid 224 with glycine.
Molecular consequence: missense variant. On other transcripts: non-coding transcript variant (3).
Genome position (GRCh38, 1-based): chr7:124,858,988, T>C on the plus strand (A>G on the coding strand, the complement: POT1 is on the minus strand). VCF-style: chr7-124858988-T-C. GRCh37 (hg19) VCF-style: chr7-124499042-T-C.
Other names: c.278A>G, p.Asp93Gly (NM_001042594.2); short protein forms D224G, D93G.
Identifiers: ClinVar variation 826573 (VCV000826573.5), dbSNP rs1584769825, ClinGen allele CA369056119.